The following is an entry in ClinVar:

NM_020778.5(ALPK3):c.493G>A (p.Gly165Arg)

Gene: ALPK3 (alpha kinase 3; plus strand). Cytogenetic location: 15q25.3.
Variant type: single nucleotide variant.
Coding change: c.493G>A on transcript NM_020778.5 (MANE Select); coding-DNA position 493, G replaced by A.
Protein change: p.Gly165Arg; replaces glycine 165 with arginine.
Molecular consequence: missense variant.
Genome position (GRCh38, 1-based): chr15:84,839,772, G>A. VCF-style: chr15-84839772-G-A. GRCh37 (hg19) VCF-style: chr15-85383003-G-A.
Other names: short protein forms G165R.
Identifiers: ClinVar variation 5036558 (VCV005036558.1).
Genomic context (GRCh38, chr15:84,839,772, plus strand): 5'-GAAGATGCCGCCATCTACCAGGCCTCTGCCCAGAACAGCAAGGGCATTGTGTCCTGCTCA[G>A]GGGTCCTGGAGGTGGGCACCATGACTGAGTACAAGATCCACCAGCGCTGGTTCGCCAAGT-3'
Protein context (NP_065829.4, residues 155-175): QNSKGIVSCS[Gly165Arg]VLEVGTMTEY

ClinVar aggregate classification (germline): Uncertain significance (1 of 4 stars; one submission).

Conditions:
Cardiovascular phenotype. Identifiers: MedGen CN230736.

Submission:

Ambry Genetics
Classification: Uncertain significance for Cardiovascular phenotype. Last evaluated: 2026-08-03. Review status: criteria provided, single submitter. Criteria: Ambry Variant Classification Scheme 2023. Collection method: clinical testing. Allele origin: germline.
Comment: The p.G367R variant (also known as c.1099G>A), located in coding exon 5 of the ALPK3 gene, results from a G to A substitution at nucleotide position 1099. The glycine at codon 367 is replaced by arginine, an amino acid with dissimilar properties. This amino acid position is conserved. In addition, this alteration is predicted to be deleterious by in silico analysis. Based on the available evidence, the clinical significance of this variant remains unclear.